The following is an entry in ClinVar:

NM_018230.3(NUP133):c.902A>G (p.Asp301Gly)

Gene: NUP133 (nucleoporin 133; minus strand). Cytogenetic location: 1q42.13.
Variant type: single nucleotide variant.
Coding change: c.902A>G on transcript NM_018230.3 (MANE Select); coding-DNA position 902, A replaced by G.
Protein change: p.Asp301Gly; replaces aspartic acid 301 with glycine.
Molecular consequence: missense variant.
Genome position (GRCh38, 1-based): chr1:229,495,965, T>C on the plus strand (A>G on the coding strand, the complement: NUP133 is on the minus strand). VCF-style: chr1-229495965-T-C. GRCh37 (hg19) VCF-style: chr1-229631712-T-C.
Other names: short protein forms D301G.
Identifiers: ClinVar variation 1904043 (VCV001904043.5), dbSNP rs2527564619, ClinGen allele CA345167872.

ClinVar aggregate classification (germline): Uncertain significance (1 of 4 stars; one submission).

Submission:

Labcorp Genetics (formerly Invitae), Labcorp
Classification: Uncertain significance. Last evaluated: 2022-10-17. Review status: criteria provided, single submitter. Criteria: Invitae Variant Classification Sherloc (09022015). Collection method: clinical testing. Allele origin: germline.
Comment: In summary, the available evidence is currently insufficient to determine the role of this variant in disease. Therefore, it has been classified as a Variant of Uncertain Significance. Algorithms developed to predict the effect of missense changes on protein structure and function are either unavailable or do not agree on the potential impact of this missense change (SIFT: "Tolerated"; PolyPhen-2: "Possibly Damaging"; Align-GVGD: "Class C0"). This variant has not been reported in the literature in individuals affected with NUP133-related conditions. This variant is not present in population databases (gnomAD no frequency). This sequence change replaces aspartic acid, which is acidic and polar, with glycine, which is neutral and non-polar, at codon 301 of the NUP133 protein (p.Asp301Gly).